The following is an entry in ClinVar:

ClinVar aggregate classification (germline): Uncertain significance (1 of 4 stars; one submission).

gnomAD v4.1: 36 of 1,612,450 alleles (0.0022%); highest among the groups gnomAD compares: Non-Finnish European, 0.003%; no homozygotes.

Submission:

Ambry Genetics
Classification: Uncertain significance. Last evaluated: 2025-11-24. Review status: criteria provided, single submitter. Criteria: Ambry Variant Classification Scheme 2023. Collection method: clinical testing. Allele origin: germline.
Comment: The c.76A>T (p.M26L) alteration is located in exon 2 (coding exon 1) of the GOLGB1 gene. This alteration results from a A to T substitution at nucleotide position 76, causing the methionine (M) at amino acid position 26 to be replaced by a leucine (L). Based on data from gnomAD, the T allele has an overall frequency of <0.001% (1/250830) total alleles studied. The highest observed frequency was 0.001% (1/113410) of European (non-Finnish) alleles. Based on insufficient or conflicting evidence, the clinical significance of this alteration remains unclear.

NM_001366282.2(GOLGB1):c.76A>T (p.Met26Leu)

Gene: GOLGB1 (golgin B1; minus strand). Cytogenetic location: 3q13.33.
Variant type: single nucleotide variant.
Coding change: c.76A>T on transcript NM_001366282.2 (MANE Select); coding-DNA position 76, A replaced by T.
Protein change: p.Met26Leu; replaces methionine 26 with leucine.
Molecular consequence: missense variant. On other transcripts: 5 prime UTR variant (4).
Genome position (GRCh38, 1-based): chr3:121,730,896, T>A on the plus strand (A>T on the coding strand, the complement: GOLGB1 is on the minus strand). VCF-style: chr3-121730896-T-A. GRCh37 (hg19) VCF-style: chr3-121449743-T-A.
Other names: c.76A>T, p.Met26Leu (NM_001366283.2, NM_004487.5, NM_001256486.2); c.-70A>T (NM_001366284.2, NM_001389631.1, NM_001256487.2 and 1 more transcripts); short protein forms M26L.
Identifiers: ClinVar variation 4672675 (VCV004672675.1).